The following is an entry in ClinVar:

ClinVar aggregate classification (germline): Pathogenic (1 of 4 stars; one submission).

Submission:

Labcorp Genetics (formerly Invitae), Labcorp
Classification: Pathogenic. Last evaluated: 2024-01-06. Review status: criteria provided, single submitter. Criteria: Invitae Variant Classification Sherloc (09022015). Collection method: clinical testing. Allele origin: germline.
Comment: This sequence change creates a premature translational stop signal (p.Gly768*) in the COL2A1 gene. It is expected to result in an absent or disrupted protein product. Loss-of-function variants in COL2A1 are known to be pathogenic (PMID: 20179744). This variant is not present in population databases (gnomAD no frequency). This variant has not been reported in the literature in individuals affected with COL2A1-related conditions. Algorithms developed to predict the effect of sequence changes on RNA splicing suggest that this variant may disrupt the consensus splice site. For these reasons, this variant has been classified as Pathogenic.

Literature cited by the submitters: PubMed 20179744.

NC_000012.12:g.47982160_47982161del

Gene: COL2A1 (collagen type II alpha 1 chain; minus strand). Cytogenetic location: 12q13.11.
Variant type: Deletion.
Genome position: GRCh38 VCF-style: chr12-47982158-ACC-A. GRCh37 (hg19) VCF-style: chr12-48375941-ACC-A.
Identifiers: ClinVar variation 2697000 (VCV002697000.3), dbSNP rs2540132208, ClinGen allele CA2697559210.
Genomic context (GRCh38, chr12:47,982,158, plus strand): 5'-TTCACTTACTCGTCCACCATCCTTTCCAGGGGCTCCCTCAGGGCCTTTCTCACCAACGTC[ACC>A]CTGAGGGAAGAGAAAACCAGCCGCCTCAGCCAGGCACCCCAGGACCCCCATGGTTTGCTC-3'